The following is an entry in ClinVar:

ClinVar aggregate classification (germline): Likely benign (0 of 4 stars; one submission).

Conditions:
LPP-related disorder. Also called: LPP-related condition.

Allele frequency attached by ClinVar (database versions not stated): gnomAD 0.00028; gnomAD exomes 0.00031; ExAC 0.00043; TOPMed 0.00044; 1000 Genomes Project 30x 0.00062; ESP Exome Variant Server 0.00062; 1000 Genomes Project 0.00080.
gnomAD v4.1: 485 of 1,614,166 alleles (0.03%); highest among the groups gnomAD compares: African/African-American, 0.063%; no homozygotes.

Submission:

PreventionGenetics, part of Exact Sciences
Classification: Likely benign for LPP-related condition. Last evaluated: 2023-07-18. Review status: no assertion criteria provided. Collection method: clinical testing. Allele origin: germline.
Comment: This variant is classified as likely benign based on ACMG/AMP sequence variant interpretation guidelines (Richards et al. 2015 PMID: 25741868, with internal and published modifications).

NM_001375462.1(LPP):c.635C>T (p.Thr212Met)

Gene: LPP (LIM domain containing preferred translocation partner in lipoma; plus strand). Cytogenetic location: 3q28.
Variant type: single nucleotide variant.
Coding change: c.635C>T on transcript NM_001375462.1 (MANE Select); coding-DNA position 635, C replaced by T.
Protein change: p.Thr212Met; replaces threonine 212 with methionine.
Molecular consequence: missense variant. On other transcripts: non-coding transcript variant (1).
Genome position (GRCh38, 1-based): chr3:188,609,366, C>T. VCF-style: chr3-188609366-C-T. GRCh37 (hg19) VCF-style: chr3-188327154-C-T.
Other names: c.635C>T, p.Thr212Met (NM_001167671.3, NM_001167672.3, NM_001375455.1 and 29 more transcripts); c.146C>T, p.Thr49Met (NM_001387675.1, NM_001387676.1); short protein forms T212M, T49M.
Identifiers: ClinVar variation 3033483 (VCV003033483.2), dbSNP rs150830431, ClinGen allele CA2751233.